The following is an entry in ClinVar:

NM_001042545.2(LTBP4):c.1530G>T (p.Arg510=)

Gene: LTBP4 (latent transforming growth factor beta binding protein 4; plus strand). Cytogenetic location: 19q13.2.
Variant type: single nucleotide variant.
Coding change: c.1530G>T on transcript NM_001042545.2 (MANE Select); coding-DNA position 1530, G replaced by T.
Protein change: p.Arg510=; no amino-acid change (arginine 510 retained).
Molecular consequence: synonymous variant.
Genome position (GRCh38, 1-based): chr19:40,609,633, G>T. VCF-style: chr19-40609633-G-T. GRCh37 (hg19) VCF-style: chr19-41115539-G-T.
Other names: c.1731G>T, p.Arg577= (NM_001042544.1); c.1620G>T, p.Arg540= (NM_003573.2).
Identifiers: ClinVar variation 4994930 (VCV004994930.1).

ClinVar aggregate classification (germline): Likely benign (1 of 4 stars; one submission).

Conditions:
LTBP4-related disorder. Also called: LTBP4-related condition.

gnomAD v4.1: 1 of 1,613,268 alleles (0.000062%); highest among the groups gnomAD compares: Non-Finnish European, 0.000085%; no homozygotes.

Submission:

PreventionGenetics, part of Exact Sciences
Classification: Likely benign for LTBP4-related condition. Last evaluated: 2026-08-11. Review status: criteria provided, single submitter. Criteria: ACMG Guidelines, 2015. Collection method: clinical testing. Allele origin: germline.
Comment: This variant is classified as likely benign based on ACMG/AMP sequence variant interpretation guidelines (Richards et al. 2015 PMID: 25741868, with internal and published modifications).